The following is an entry in ClinVar:

ClinVar aggregate classification (germline): Uncertain significance. Review status: criteria provided, multiple submitters, no conflicts (2 of 4 stars). 5 submissions from 5 submitters: Uncertain significance (5). Last evaluated 2025-09-03.

Conditions:
Cardiac arrhythmia. Also called: Arrhythmia; Cardiac rhythm disease. Identifiers: MedGen C0003811, MONDO:0007263, HP:0011675.
Cardiovascular phenotype. Identifiers: MedGen CN230736.
Long QT syndrome (LQTS). Identifiers: MedGen C0023976, MeSH D008133, MONDO:0002442. Disease mechanism: loss of function. Inheritance: Various modes of inheritance.

Allele frequency attached by ClinVar (database versions not stated): gnomAD exomes 0.00003.
gnomAD v4.1: 38 of 1,571,674 alleles (0.0024%); highest among the groups gnomAD compares: Non-Finnish European, 0.0031%; no homozygotes.

Submissions (5):

Ambry Genetics
Classification: Uncertain significance for Cardiovascular phenotype. Last evaluated: 2025-09-03. Review status: criteria provided, single submitter. Criteria: Ambry Variant Classification Scheme 2023. Collection method: clinical testing. Allele origin: germline.
Comment: The p.T610N variant (also known as c.1829C>A), located in coding exon 16 of the KCNQ1 gene, results from a C to A substitution at nucleotide position 1829. The threonine at codon 610 is replaced by asparagine, an amino acid with similar properties. This variant was reported in an individual from a sudden arrhythmic death syndrome cohort (Raju H et al. BMC Cardiovasc Disord, 2019 Jul;19:174). This amino acid position is well conserved in available vertebrate species. In addition, the in silico prediction for this alteration is inconclusive. Based on the available evidence, the clinical significance of this variant remains unclear.

GeneDx
Classification: Uncertain significance. Last evaluated: 2024-11-26. Review status: criteria provided, single submitter. Criteria: GeneDx Variant Classification Process June 2021. Collection method: clinical testing. Allele origin: germline. Affected: yes.
Comment: Not observed at significant frequency in large population cohorts (gnomAD); Identified in an individual with sudden arrhythmic death syndrome, however additional clinical and segregation information was not provided (PMID: 31337358); In silico analysis indicates that this missense variant does not alter protein structure/function; This variant is associated with the following publications: (PMID: 31337358)

Color Diagnostics, LLC DBA Color Health
Classification: Uncertain significance for Cardiac arrhythmia. Last evaluated: 2023-11-15. Review status: criteria provided, single submitter. Criteria: ACMG Guidelines, 2015. Collection method: clinical testing. Allele origin: germline.
Comment: This missense variant replaces threonine with asparagine at codon 610 of the KCNQ1 protein. Computational prediction is inconclusive regarding the impact of this variant on protein structure and function (internally defined REVEL score threshold 0.5 < inconclusive < 0.7, PMID: 27666373). To our knowledge, functional studies have not been reported for this variant. This variant has been reported in an individual affected with sudden arrhythmic death syndrome (PMID: 31337358). This variant has not been identified in the general population by the Genome Aggregation Database (gnomAD). The available evidence is insufficient to determine the role of this variant in disease conclusively. Therefore, this variant is classified as a Variant of Uncertain Significance.

All of Us Research Program, National Institutes of Health
Classification: Uncertain significance for Long QT syndrome. Last evaluated: 2023-05-15. Review status: criteria provided, single submitter. Criteria: ACMG Guidelines, 2015. Collection method: clinical testing. Allele origin: germline. Inheritance: Autosomal dominant inheritance. Observed: 1 variant allele, 1 heterozygote.
Comment: This missense variant replaces threonine with asparagine at codon 610 of the KCNQ1 protein. Computational prediction is inconclusive regarding the impact of this variant on protein structure and function (internally defined REVEL score threshold 0.5 < inconclusive < 0.7, PMID: 27666373). To our knowledge, functional studies have not been reported for this variant. This variant has been reported in an individual affected with sudden arrhythmic death syndrome (PMID: 31337358). This variant has not been identified in the general population by the Genome Aggregation Database (gnomAD). The available evidence is insufficient to determine the role of this variant in disease conclusively. Therefore, this variant is classified as a Variant of Uncertain Significance.

This study involves interpretation of variants in research participants for the purpose of population health screening. Participant phenotype was not available at the time of variant classification. Additional details can be found in publication PMID: 35346344, PMCID: PMC8962531

AiLife Diagnostics
Classification: Uncertain significance. Last evaluated: 2021-07-28. Review status: criteria provided, single submitter. Criteria: ACMG Guidelines, 2015. Collection method: clinical testing. Allele origin: germline. Affected: yes. Observed: 1 variant allele.

Literature cited by the submitters: PubMed 31337358 (cited by 4 submitters).

NM_000218.3(KCNQ1):c.1829C>A (p.Thr610Asn)

Genes: KCNQ1 (potassium voltage-gated channel subfamily Q member 1; plus strand), KCNQ1-AS1 (KCNQ1 antisense RNA 1; minus strand). Cytogenetic location: 11p15.4.
Variant type: single nucleotide variant.
Coding change: c.1829C>A on transcript NM_000218.3 (MANE Select); coding-DNA position 1829, C replaced by A.
Protein change: p.Thr610Asn; replaces threonine 610 with asparagine.
Molecular consequence: missense variant.
Genome position (GRCh38, 1-based): chr11:2,847,801, C>A. VCF-style: chr11-2847801-C-A. GRCh37 (hg19) VCF-style: chr11-2869031-C-A.
Other names: p.T610N:ACC>AAC; c.1733C>A, p.Thr578Asn (NM_001406836.1); c.1559C>A, p.Thr520Asn (NM_001406837.1); c.1289C>A, p.Thr430Asn (NM_001406838.1); c.341C>A, p.Thr114Asn (NM_001406839.1); c.1448C>A, p.Thr483Asn (NM_181798.2); short protein forms T483N, T610N, T430N, T114N, T520N, T578N.
Identifiers: ClinVar variation 200863 (VCV000200863.11), dbSNP rs794728542, ClinGen allele CA006469.